The following is an entry in ClinVar:

NM_001035.3(RYR2):c.3084A>G (p.Arg1028=)

Gene: RYR2 (ryanodine receptor 2; plus strand). Cytogenetic location: 1q43.
Variant type: single nucleotide variant.
Coding change: c.3084A>G on transcript NM_001035.3 (MANE Select); coding-DNA position 3084, A replaced by G.
Protein change: p.Arg1028=; no amino-acid change (arginine 1028 retained).
Molecular consequence: synonymous variant.
Genome position (GRCh38, 1-based): chr1:237,550,561, A>G. VCF-style: chr1-237550561-A-G. GRCh37 (hg19) VCF-style: chr1-237713861-A-G.
Identifiers: ClinVar variation 3074988 (VCV003074988.1), dbSNP rs2546296477, ClinGen allele CA423818208.

ClinVar aggregate classification (germline): Likely benign (1 of 4 stars; one submission).

Conditions:
Catecholaminergic polymorphic ventricular tachycardia (CVPT). Also called: Catecholamine-induced polymorphic ventricular tachycardia. Identifiers: Orphanet 3286, MedGen C5574922, MONDO:0017990.

Allele frequency attached by ClinVar (database versions not stated): gnomAD exomes below 0.00001.
gnomAD v4.1: 1 of 1,609,784 alleles (0.000062%); highest among the groups gnomAD compares: Non-Finnish European, 0.000085%; no homozygotes.

Submission:

All of Us Research Program, National Institutes of Health
Classification: Likely benign for Catecholaminergic polymorphic ventricular tachycardia. Last evaluated: 2023-12-13. Review status: criteria provided, single submitter. Criteria: ACMG Guidelines, 2015. Collection method: clinical testing. Allele origin: germline. Inheritance: Autosomal dominant inheritance. Observed: 1 variant allele, 1 heterozygote.
Comment: This study involves interpretation of variants in research participants for the purpose of population health screening. Participant phenotype was not available at the time of variant classification. Additional details can be found in publication PMID: 35346344, PMCID: PMC8962531